The following is an entry in ClinVar:

NM_018026.4(PACS1):c.2084G>A (p.Arg695His)

Gene: PACS1 (phosphofurin acidic cluster sorting protein 1; plus strand). Cytogenetic location: 11q13.2.
Variant type: single nucleotide variant.
Coding change: c.2084G>A on transcript NM_018026.4 (MANE Select); coding-DNA position 2084, G replaced by A.
Protein change: p.Arg695His; replaces arginine 695 with histidine.
Molecular consequence: missense variant.
Genome position (GRCh38, 1-based): chr11:66,234,222, G>A. VCF-style: chr11-66234222-G-A. GRCh37 (hg19) VCF-style: chr11-66001693-G-A.
Other names: short protein forms R695H.
Identifiers: ClinVar variation 1974764 (VCV001974764.5), dbSNP rs754464559, ClinGen allele CA6116758.

ClinVar aggregate classification (germline): Uncertain significance (1 of 4 stars; one submission).

Conditions:
Schuurs-Hoeijmakers syndrome. Also called: PACS1-Related Neurodevelopmental Disorder. Identifiers: Orphanet 329224, MedGen C3554343, MONDO:0014006, OMIM 615009.

Allele frequency attached by ClinVar (database versions not stated): ExAC 0.00002; gnomAD 0.00001; gnomAD exomes 0.00001; TOPMed 0.00001.
gnomAD v4.1: 12 of 1,613,222 alleles (0.00074%); highest among the groups gnomAD compares: South Asian, 0.0044%; no homozygotes.

Submission:

Labcorp Genetics (formerly Invitae), Labcorp
Classification: Uncertain significance for Schuurs-Hoeijmakers syndrome. Last evaluated: 2025-10-24. Review status: criteria provided, single submitter. Criteria: Invitae Variant Classification Sherloc (09022015). Collection method: clinical testing. Allele origin: germline.
Comment: This sequence change replaces arginine, which is basic and polar, with histidine, which is basic and polar, at codon 695 of the PACS1 protein (p.Arg695His). This variant is present in population databases (rs754464559, gnomAD 0.01%). This variant has not been reported in the literature in individuals affected with PACS1-related conditions. ClinVar contains an entry for this variant (Variation ID: 1974764). Invitae Evidence Modeling of protein sequence and biophysical properties (such as structural, functional, and spatial information, amino acid conservation, physicochemical variation, residue mobility, and thermodynamic stability) indicates that this missense variant is not expected to disrupt PACS1 protein function with a negative predictive value of 80%. In summary, the available evidence is currently insufficient to determine the role of this variant in disease. Therefore, it has been classified as a Variant of Uncertain Significance.